The following is an entry in ClinVar:

NM_014141.6(CNTNAP2):c.3949A>T (p.Asn1317Tyr)

Gene: CNTNAP2 (contactin associated protein 2; plus strand). Cytogenetic location: 7q36.1.
Variant type: single nucleotide variant.
Coding change: c.3949A>T on transcript NM_014141.6 (MANE Select); coding-DNA position 3949, A replaced by T.
Protein change: p.Asn1317Tyr; replaces asparagine 1317 with tyrosine.
Molecular consequence: missense variant.
Genome position (GRCh38, 1-based): chr7:148,415,569, A>T. VCF-style: chr7-148415569-A-T. GRCh37 (hg19) VCF-style: chr7-148112661-A-T.
Other names: p.N1317Y:AAC>TAC; short protein forms N1317Y.
Identifiers: ClinVar variation 205293 (VCV000205293.2), dbSNP rs796052387, ClinGen allele CA314220.

ClinVar aggregate classification (germline): Uncertain significance (1 of 4 stars; one submission).

Submission:

GeneDx
Classification: Uncertain significance. Last evaluated: 2014-01-24. Review status: criteria provided, single submitter. Criteria: GeneDx Variant Classification (06012015). Collection method: clinical testing. Allele origin: germline. Affected: yes.
Comment: p.Asn1317Tyr (AAC>TAC): c.3949 A>T in exon 24 of the CNTNAP2 gene (NM_014141.5). The N1317Y missense change in the CNTNAP2 gene has not been published as a mutation, nor has it been reported as a benign polymorphism to our knowledge. It was not observed in approximately 6,500 individuals of European and African American ancestry in the NHLBI Exome Sequencing Project, indicating it is not a common benign variant in these populations. This variant is a conservative substitution of one uncharged, polar amino acid for another. It alters a position in the cytoplasmic domain that is conserved in mammals and in silico analysis predicts this variant is probably damaging to the protein structure/function. The variant is found in INFANT-EPI panel(s).